The following is an entry in ClinVar:

NM_012448.4(STAT5B):c.2297C>T (p.Ala766Val)

Gene: STAT5B (signal transducer and activator of transcription 5B; minus strand). Cytogenetic location: 17q21.2.
Variant type: single nucleotide variant.
Coding change: c.2297C>T on transcript NM_012448.4 (MANE Select); coding-DNA position 2297, C replaced by T.
Protein change: p.Ala766Val; replaces alanine 766 with valine.
Molecular consequence: missense variant.
Genome position (GRCh38, 1-based): chr17:42,201,805, G>A on the plus strand (C>T on the coding strand, the complement: STAT5B is on the minus strand). VCF-style: chr17-42201805-G-A. GRCh37 (hg19) VCF-style: chr17-40353823-G-A.
Other names: short protein forms A766V.
Identifiers: ClinVar variation 1985248 (VCV001985248.4), dbSNP rs2508694991, ClinGen allele CA399572571.
Genomic context (GRCh38, chr17:42,201,805, plus strand): 5'-TGTGCGTGCGGGATCCACTGACTGTCCATTGGCCGGCCCAGGAGCTCCTCCACACGCCGC[G>A]CTACGTCCATTGTGTCCTCCAGATCGAAGTCCCCATCGGTGTCAAGGACTGAGTCAGGGC-3'
Protein context (NP_036580.2, residues 756-776): DFDLEDTMDV[Ala766Val]RRVEELLGRP

ClinVar aggregate classification (germline): Uncertain significance (1 of 4 stars; one submission).

Conditions:
Growth hormone insensitivity with immune dysregulation 1, autosomal recessive. Also called: Laron syndrome with immunodeficiency; GROWTH HORMONE INSENSITIVITY DUE TO POSTRECEPTOR DEFECT; LARON SYNDROME DUE TO POSTRECEPTOR DEFECT; GROWTH HORMONE INSENSITIVITY SYNDROME WITH IMMUNE DYSREGULATION 1, AUTOSOMAL RECESSIVE. Identifiers: Orphanet 220465, MedGen C5435698, MONDO:0100211, OMIM 245590.

Allele frequency attached by ClinVar (database versions not stated): gnomAD exomes below 0.00001.
gnomAD v4.1: 1 of 1,614,058 alleles (0.000062%); highest among the groups gnomAD compares: Non-Finnish European, 0.000085%; no homozygotes.

Submission:

Labcorp Genetics (formerly Invitae), Labcorp
Classification: Uncertain significance for Growth hormone insensitivity with immune dysregulation 1, autosomal recessive. Last evaluated: 2024-09-23. Review status: criteria provided, single submitter. Criteria: Invitae Variant Classification Sherloc (09022015). Collection method: clinical testing. Allele origin: germline.
Comment: This sequence change replaces alanine, which is neutral and non-polar, with valine, which is neutral and non-polar, at codon 766 of the STAT5B protein (p.Ala766Val). This variant is not present in population databases (gnomAD no frequency). This variant has not been reported in the literature in individuals affected with STAT5B-related conditions. ClinVar contains an entry for this variant (Variation ID: 1985248). An algorithm developed to predict the effect of missense changes on protein structure and function (PolyPhen-2) suggests that this variant is likely to be disruptive. In summary, the available evidence is currently insufficient to determine the role of this variant in disease. Therefore, it has been classified as a Variant of Uncertain Significance.